The following is an entry in ClinVar:

ClinVar aggregate classification (germline): Likely benign. Review status: criteria provided, single submitter (1 of 4 stars). 2 submissions from 2 submitters: Likely benign (1). 1 of the submissions does not count toward it. Last evaluated 2021-08-04.

Conditions:
PLXNA2-related disorder. Also called: PLXNA2-related condition.

Allele frequency attached by ClinVar (database versions not stated): TOPMed 0.00003; gnomAD exomes 0.00008 and 0.00013; gnomAD 0.00009; ExAC 0.00017; 1000 Genomes Project 30x 0.00031; 1000 Genomes Project 0.00040.
gnomAD v4.1: 127 of 1,614,106 alleles (0.0079%); highest among the groups gnomAD compares: East Asian, 0.022%; no homozygotes.

Submissions (2):

Labcorp Genetics (formerly Invitae), Labcorp
Classification: Likely benign. Last evaluated: 2021-08-04. Review status: criteria provided, single submitter. Criteria: Invitae Variant Classification Sherloc (09022015). Collection method: clinical testing. Allele origin: germline.

PreventionGenetics, part of Exact Sciences
Classification: Likely benign for PLXNA2-related condition. Last evaluated: 2022-01-04. Review status: no assertion criteria provided. Collection method: clinical testing. Allele origin: germline. Not counted in ClinVar's aggregate classification.
Comment: This variant is classified as likely benign based on ACMG/AMP sequence variant interpretation guidelines (Richards et al. 2015 PMID: 25741868, with internal and published modifications).

NM_025179.4(PLXNA2):c.2895C>T (p.Pro965=)

Gene: PLXNA2 (plexin A2; minus strand). Cytogenetic location: 1q32.2.
Variant type: single nucleotide variant.
Coding change: c.2895C>T on transcript NM_025179.4 (MANE Select); coding-DNA position 2895, C replaced by T.
Protein change: p.Pro965=; no amino-acid change (proline 965 retained).
Molecular consequence: synonymous variant.
Genome position (GRCh38, 1-based): chr1:208,052,425, G>A on the plus strand (C>T on the coding strand, the complement: PLXNA2 is on the minus strand). VCF-style: chr1-208052425-G-A. GRCh37 (hg19) VCF-style: chr1-208225770-G-A.
Other names: c.2895C>T (NM_025179.3).
Identifiers: ClinVar variation 1595777 (VCV001595777.10), dbSNP rs139454687, ClinGen allele CA1373358.